The following is an entry in ClinVar:

NM_000075.4(CDK4):c.31G>T (p.Glu11Ter)

Gene: CDK4 (cyclin dependent kinase 4; minus strand). Cytogenetic location: 12q14.1.
Variant type: single nucleotide variant.
Coding change: c.31G>T on transcript NM_000075.4 (MANE Select); coding-DNA position 31, G replaced by T.
Protein change: p.Glu11Ter; replaces glutamic acid 11 with a stop codon.
Molecular consequence: nonsense.
Genome position (GRCh38, 1-based): chr12:57,751,687, C>A on the plus strand (G>T on the coding strand, the complement: CDK4 is on the minus strand). VCF-style: chr12-57751687-C-A. GRCh37 (hg19) VCF-style: chr12-58145470-C-A.
Other names: short protein forms E11*.
Identifiers: ClinVar variation 1361183 (VCV001361183.6), dbSNP rs2140388732, ClinGen allele CA385549186.
Genomic context (GRCh38, chr12:57,751,687, plus strand): 5'-AGTGGCCACTGTGGGGATCACGGGCCTTGTACACTGTCCCATAGGCACCGACACCAATTT[C>A]AGCCACTGGCTCATATCGAGAGGTAGCCATTCTCAGATCAAGGGAGACCCTACAATCACA-3'

ClinVar aggregate classification (germline): Uncertain significance (1 of 4 stars; one submission).

Conditions:
Familial melanoma. Also called: Hereditary melanoma; Hereditary cutaneous melanoma. Identifiers: Orphanet 618, MedGen C1512419, MONDO:0018961.

Submission:

Labcorp Genetics (formerly Invitae), Labcorp
Classification: Uncertain significance for Familial melanoma. Last evaluated: 2025-09-27. Review status: criteria provided, single submitter. Criteria: Invitae Variant Classification Sherloc (09022015). Collection method: clinical testing. Allele origin: germline.
Comment: This sequence change creates a premature translational stop signal (p.Glu11*) in the CDK4 gene. It is expected to result in an absent or disrupted protein product. However, the current clinical and genetic evidence is not sufficient to establish whether loss-of-function variants in CDK4 cause disease. This variant is not present in population databases (gnomAD no frequency). This variant has not been reported in the literature in individuals affected with CDK4-related conditions. ClinVar contains an entry for this variant (Variation ID: 1361183). Algorithms developed to predict the effect of sequence changes on RNA splicing suggest that this variant may disrupt the consensus splice site. In summary, the available evidence is currently insufficient to determine the role of this variant in disease. Therefore, it has been classified as a Variant of Uncertain Significance.